The following is an entry in ClinVar:

NM_032193.4(RNASEH2C):c.157C>T (p.Arg53Cys)

Genes: RNASEH2C (ribonuclease H2 subunit C; minus strand), LOC130006061 (ATAC-STARR-seq lymphoblastoid silent region 3553; plus strand). Cytogenetic location: 11q13.1.
Variant type: single nucleotide variant.
Coding change: c.157C>T on transcript NM_032193.4 (MANE Select); coding-DNA position 157, C replaced by T.
Protein change: p.Arg53Cys; replaces arginine 53 with cysteine.
Molecular consequence: missense variant.
Genome position (GRCh38, 1-based): chr11:65,720,602, G>A on the plus strand (C>T on the coding strand, the complement: RNASEH2C is on the minus strand). VCF-style: chr11-65720602-G-A. GRCh37 (hg19) VCF-style: chr11-65488073-G-A.
Other names: short protein forms R53C.
Identifiers: ClinVar variation 1944783 (VCV001944783.5), dbSNP rs2495311517, ClinGen allele CA381299142.

ClinVar aggregate classification (germline): Uncertain significance (1 of 4 stars; one submission).

Conditions:
Aicardi-Goutieres syndrome 3. Identifiers: Orphanet 51, MedGen C1835916, MONDO:0012471, OMIM 610329.

Submission:

Labcorp Genetics (formerly Invitae), Labcorp
Classification: Uncertain significance for Aicardi-Goutieres syndrome 3. Last evaluated: 2023-08-04. Review status: criteria provided, single submitter. Criteria: Invitae Variant Classification Sherloc (09022015). Collection method: clinical testing. Allele origin: germline.
Comment: In summary, the available evidence is currently insufficient to determine the role of this variant in disease. Therefore, it has been classified as a Variant of Uncertain Significance. Algorithms developed to predict the effect of missense changes on protein structure and function output the following: SIFT: "Not Available"; PolyPhen-2: "Benign"; Align-GVGD: "Not Available". The cysteine amino acid residue is found in multiple mammalian species, which suggests that this missense change does not adversely affect protein function. This sequence change replaces arginine, which is basic and polar, with cysteine, which is neutral and slightly polar, at codon 53 of the RNASEH2C protein (p.Arg53Cys). This variant is not present in population databases (gnomAD no frequency). ClinVar contains an entry for this variant (Variation ID: 1944783). This variant has not been reported in the literature in individuals affected with RNASEH2C-related conditions.